The following is an entry in ClinVar:

NM_001048174.2(MUTYH):c.869T>C (p.Leu290Ser)

Gene: MUTYH (mutY DNA glycosylase; minus strand). Cytogenetic location: 1p34.1.
Variant type: single nucleotide variant.
Coding change: c.869T>C on transcript NM_001048174.2 (MANE Select); coding-DNA position 869, T replaced by C.
Protein change: p.Leu290Ser; replaces leucine 290 with serine.
Molecular consequence: missense variant. On other transcripts: non-coding transcript variant (2).
Genome position (GRCh38, 1-based): chr1:45,332,067, A>G on the plus strand (T>C on the coding strand, the complement: MUTYH is on the minus strand). VCF-style: chr1-45332067-A-G. GRCh37 (hg19) VCF-style: chr1-45797739-A-G.
Other names: c.869T>C, p.Leu290Ser (NM_001048171.2, NM_001048173.2, NM_001293195.2); c.872T>C, p.Leu291Ser (NM_001048172.2); c.953T>C, p.Leu318Ser (NM_001128425.2); c.914T>C, p.Leu305Ser (NM_001293190.2); c.902T>C, p.Leu301Ser (NM_001293191.2); c.593T>C, p.Leu198Ser (NM_001293192.2, NM_001293196.2); c.524T>C, p.Leu175Ser (NM_001350650.2, NM_001350651.2); c.944T>C, p.Leu315Ser (NM_012222.3); short protein forms L318S, L175S, L198S, L290S, L301S, L291S, L315S, L305S.
Identifiers: ClinVar variation 483894 (VCV000483894.16), dbSNP rs1362124228, ClinGen allele CA340134170.
Genomic context (GRCh38, chr1:45,332,067, plus strand): 5'-TAGGTTTGGTGCTCACCACACTCCTCCACGTCAGGACTGCCCGACAGGCTCCCTGAGGCT[A>G]AGAGCTGTTCCTGCTCCACCTGAGAGGCACAGGGTTGAGTGTCATAGGGCAGAGTCACTC-3'
Protein context (NP_001041639.1, residues 280-300): ARQRVEQEQL[Leu290Ser]ASGSLSGSPD

ClinVar aggregate classification (germline): Conflicting classifications of pathogenicity. Review status: criteria provided, conflicting classifications (1 of 4 stars). 4 submissions from 4 submitters: Uncertain significance (3); Likely benign (1). Last evaluated 2025-07-07.

Conditions:
Hereditary cancer-predisposing syndrome. Also called: Hereditary neoplastic syndrome; Hereditary Cancer Syndrome; Neoplastic Syndromes, Hereditary; Tumor predisposition. Identifiers: Orphanet 140162, MedGen C0027672, MeSH D009386, MONDO:0015356.
Familial adenomatous polyposis 2. Also called: MYH-associated polyposis; COLORECTAL ADENOMATOUS POLYPOSIS, AUTOSOMAL RECESSIVE; ADENOMAS, MULTIPLE COLORECTAL, AUTOSOMAL RECESSIVE; MUTYH-related attenuated familial adenomatous polyposis; Adenomas, multiple colorectal; FAP type 2. Identifiers: Orphanet 220460, Orphanet 247798, MedGen C3272841, MONDO:0012041, OMIM 608456.

Allele frequency attached by ClinVar (database versions not stated): TOPMed below 0.00001; gnomAD 0.00001.

Submissions (4):

Women's Health and Genetics/Laboratory Corporation of America, LabCorp
Classification: Uncertain significance. Last evaluated: 2025-07-07. Review status: criteria provided, single submitter. Criteria: LabCorp Variant Classification Summary - May 2015. Collection method: clinical testing. Allele origin: germline.

Labcorp Genetics (formerly Invitae), Labcorp
Classification: Uncertain significance for Familial adenomatous polyposis 2. Last evaluated: 2025-01-15. Review status: criteria provided, single submitter. Criteria: Invitae Variant Classification Sherloc (09022015). Collection method: clinical testing. Allele origin: germline.
Comment: This sequence change replaces leucine, which is neutral and non-polar, with serine, which is neutral and polar, at codon 318 of the MUTYH protein (p.Leu318Ser). This variant is not present in population databases (gnomAD no frequency). This variant has not been reported in the literature in individuals affected with MUTYH-related conditions. ClinVar contains an entry for this variant (Variation ID: 483894). An algorithm developed to predict the effect of missense changes on protein structure and function outputs the following: PolyPhen-2: "Benign". The serine amino acid residue is found in multiple mammalian species, which suggests that this missense change does not adversely affect protein function. In summary, the available evidence is currently insufficient to determine the role of this variant in disease. Therefore, it has been classified as a Variant of Uncertain Significance.

All of Us Research Program, National Institutes of Health
Classification: Uncertain significance for Familial adenomatous polyposis 2. Last evaluated: 2023-12-18. Review status: criteria provided, single submitter. Criteria: ACMG Guidelines, 2015. Collection method: clinical testing. Allele origin: germline. Inheritance: Autosomal recessive inheritance. Observed: 1 variant allele, 1 heterozygote.
Comment: This missense variant replaces leucine with serine at codon 318 of the MUTYH protein. Computational prediction suggests that this variant may not impact protein structure and function (internally defined REVEL score threshold <= 0.5, PMID: 27666373). To our knowledge, functional studies have not been reported for this variant. This variant has not been reported in individuals affected with MUTYH-related disorders in the literature. This variant has not been identified in the general population by the Genome Aggregation Database (gnomAD). The available evidence is insufficient to determine the role of this variant in disease conclusively. Therefore, this variant is classified as a Variant of Uncertain Significance.

This study involves interpretation of variants in research participants for the purpose of population health screening. Participant phenotype was not available at the time of variant classification. Additional details can be found in publication PMID: 35346344, PMCID: PMC8962531

Ambry Genetics
Classification: Likely benign for Hereditary cancer-predisposing syndrome. Last evaluated: 2016-02-26. Review status: criteria provided, single submitter. Criteria: Ambry Variant Classification Scheme 2023. Collection method: clinical testing. Allele origin: germline.